The following is an entry in ClinVar:

ClinVar aggregate classification (germline): Uncertain significance (1 of 4 stars; one submission).

gnomAD v4.1: 2 of 1,614,016 alleles (0.00012%); highest among the groups gnomAD compares: Non-Finnish European, 0.000085%; no homozygotes.

Submission:

Women's Health and Genetics/Laboratory Corporation of America, LabCorp
Classification: Uncertain significance. Last evaluated: 2024-09-13. Review status: criteria provided, single submitter. Criteria: LabCorp Variant Classification Summary - May 2015. Collection method: clinical testing. Allele origin: germline.
Comment: Variant summary: FA2H c.1006C>G (p.His336Asp) results in a non-conservative amino acid change located in the Fatty acid hydroxylase domain (IPR006694) of the encoded protein sequence. Five of five in-silico tools predict a damaging effect of the variant on protein function. The variant allele was found at a frequency of 4e-06 in 251236 control chromosomes. The available data on variant occurrences in the general population are insufficient to allow any conclusion about variant significance. c.1006C>G has been reported in the literature in the presumed compound heterozygous state in at least 1 individual affected with clinical features of FA2H-related conditions (example, Chen_2022). These data do not allow any conclusion about variant significance. To our knowledge, no experimental evidence demonstrating an impact on protein function has been reported. A different missense affecting this codon has been reported to be pathogenic (p.His336Asn; PMID: 30713878). The following publications have been ascertained in the context of this evaluation (PMID: 35578252, 30713878). No submitters have cited clinical-significance assessments for this variant to ClinVar. Based on the evidence outlined above, the variant was classified as VUS-possibly pathogenic.

Literature cited by the submitters: PubMed 35578252.

NM_024306.5(FA2H):c.1006C>G (p.His336Asp)

Gene: FA2H (fatty acid 2-hydroxylase; minus strand). Cytogenetic location: 16q23.1.
Variant type: single nucleotide variant.
Coding change: c.1006C>G on transcript NM_024306.5 (MANE Select); coding-DNA position 1006, C replaced by G.
Protein change: p.His336Asp; replaces histidine 336 with aspartic acid.
Molecular consequence: missense variant.
Genome position (GRCh38, 1-based): chr16:74,716,380, G>C on the plus strand (C>G on the coding strand, the complement: FA2H is on the minus strand). VCF-style: chr16-74716380-G-C. GRCh37 (hg19) VCF-style: chr16-74750278-G-C.
Other names: short protein forms H336D.
Identifiers: ClinVar variation 3374817 (VCV003374817.1).